The following is an entry in ClinVar:

NM_005902.4(SMAD3):c.243G>C (p.Lys81Asn)

Gene: SMAD3 (SMAD family member 3; plus strand). Cytogenetic location: 15q22.33.
Variant type: single nucleotide variant.
Coding change: c.243G>C on transcript NM_005902.4 (MANE Select); coding-DNA position 243, G replaced by C.
Protein change: p.Lys81Asn; replaces lysine 81 with asparagine.
Molecular consequence: missense variant. On other transcripts: 5 prime UTR variant (3).
Genome position (GRCh38, 1-based): chr15:67,164,931, G>C. VCF-style: chr15-67164931-G-C. GRCh37 (hg19) VCF-style: chr15-67457269-G-C.
Other names: c.-73G>C (NM_001145102.2, NM_001407015.1, NM_001407016.1); c.111G>C, p.Lys37Asn (NM_001145103.2); c.243G>C, p.Lys81Asn (NM_001407011.1, NM_001407012.1, NM_001407013.1); c.96G>C, p.Lys32Asn (NM_001407014.1); short protein forms K32N, K37N, K81N.
Identifiers: ClinVar variation 4757442 (VCV004757442.1).
Genomic context (GRCh38, chr15:67,164,931, plus strand): 5'-TTCTGCCCCTCCCCGTCCTGGCAGGTCCCTGGATGGCCGGTTGCAGGTGTCCCATCGGAA[G>C]GGGCTCCCTCATGTCATCTACTGCCGCCTGTGGCGATGGCCAGACCTGCACAGCCACCAC-3'
Protein context (NP_005893.1, residues 71-91): LDGRLQVSHR[Lys81Asn]GLPHVIYCRL

ClinVar aggregate classification (germline): Uncertain significance (1 of 4 stars; one submission).

Conditions:
Familial thoracic aortic aneurysm and aortic dissection (TAAD). Also called: Thoracic aortic aneurysms and dissections. Identifiers: Orphanet 91387, MedGen C4707243, MONDO:0019625.

Submission:

Color Diagnostics, LLC DBA Color Health
Classification: Uncertain significance for Familial thoracic aortic aneurysm and aortic dissection. Last evaluated: 2025-07-07. Review status: criteria provided, single submitter. Criteria: ACMG Guidelines, 2015. Collection method: clinical testing. Allele origin: germline.
Comment: This missense variant replaces lysine with asparagine at codon 81 of the SMAD3 protein. Computational prediction is inconclusive regarding the impact of this variant on protein structure and function. To our knowledge, functional studies have not been reported for this variant. This variant has not been reported in individuals affected with SMAD3-related disorders in the literature. This variant has not been identified in the general population by the Genome Aggregation Database (gnomAD). The available evidence is insufficient to determine the role of this variant in disease conclusively. Therefore, this variant is classified as a Variant of Uncertain Significance.